The following is an entry in ClinVar:

ClinVar aggregate classification (germline): Conflicting classifications of pathogenicity. Review status: criteria provided, conflicting classifications (1 of 4 stars). 2 submissions from 2 submitters: Pathogenic (1); Uncertain significance (1). Last evaluated 2026-01-06.

Conditions:
Hereditary cancer-predisposing syndrome. Also called: Neoplastic Syndromes, Hereditary; Tumor predisposition; Hereditary neoplastic syndrome; Hereditary Cancer Syndrome. Identifiers: Orphanet 140162, MedGen C0027672, MeSH D009386, MONDO:0015356.

Submissions (2):

Ambry Genetics
Classification: Uncertain significance for Hereditary cancer-predisposing syndrome. Last evaluated: 2026-01-06. Review status: criteria provided, single submitter. Criteria: Ambry Variant Classification Scheme 2023. Collection method: clinical testing. Allele origin: germline.
Comment: The c.663dupG variant, located in coding exon 7 of the POLE gene, results from a duplication of G at nucleotide position 663, causing a translational frameshift with a predicted alternate stop codon (p.R222Afs*14). This alteration is expected to result in loss of function by premature protein truncation or nonsense-mediated mRNA decay. Although biallelic loss of function of POLE has been associated with autosomal recessive POLE deficiency, haploinsufficiency of POLE has not been established as a mechanism of disease for POLE-related polymerase proofreading-associated polyposis (PPAP) and POLE-related CMMRD-like syndrome. Based on the supporting evidence, this variant is expected to be causative of POLE deficiency when present along with a second pathogenic variant on the other allele; however, its clinical significance for PPAP and POLE-related CMMRD-like syndrome is unclear.

Labcorp Genetics (formerly Invitae), Labcorp
Classification: Pathogenic. Last evaluated: 2023-09-12. Review status: criteria provided, single submitter. Criteria: Invitae Variant Classification Sherloc (09022015). Collection method: clinical testing. Allele origin: germline.
Comment: For these reasons, this variant has been classified as Pathogenic. ClinVar contains an entry for this variant (Variation ID: 405737). This variant has not been reported in the literature in individuals affected with POLE-related conditions. This variant is not present in population databases (gnomAD no frequency). This sequence change creates a premature translational stop signal (p.Arg222Alafs*14) in the POLE gene. It is expected to result in an absent or disrupted protein product. Loss-of-function variants in POLE are known to be pathogenic (PMID: 23230001, 25948378, 30503519).

Literature cited by the submitters: PubMed 23230001 (cited by Labcorp Genetics (formerly Invitae), Labcorp); PubMed 25948378 (cited by Labcorp Genetics (formerly Invitae), Labcorp); PubMed 30503519 (cited by Labcorp Genetics (formerly Invitae), Labcorp).

NM_006231.4(POLE):c.663dup (p.Arg222fs)

Gene: POLE (DNA polymerase epsilon, catalytic subunit; minus strand). Cytogenetic location: 12q24.33.
Variant type: Duplication.
Coding change: c.663dup on transcript NM_006231.4 (MANE Select); coding-DNA position 663, one base duplicated (G; older notation c.663dupG).
Protein change: p.Arg222fs; shifts the reading frame from arginine 222.
Molecular consequence: frameshift variant.
Genome position (GRCh38, 1-based): chr12:132,677,635, C duplicated on the plus strand (G on the coding strand, the reverse complement: POLE is on the minus strand). VCF-style (leftmost placement, unchanged base first): chr12-132677634-G-GC. GRCh37 (hg19) VCF-style: chr12-133254220-G-GC.
Other names: short protein forms R222fs.
Identifiers: ClinVar variation 405737 (VCV000405737.9), dbSNP rs1555229694, ClinGen allele CA16614045.